The following is an entry in ClinVar:

NM_000051.4(ATM):c.1607+5G>C

Gene: ATM (ATM serine/threonine kinase; plus strand). Cytogenetic location: 11q22.3.
Variant type: single nucleotide variant.
Coding change: c.1607+5G>C on transcript NM_000051.4 (MANE Select); 5 bases into the intron after coding-DNA position 1607, G replaced by C.
Molecular consequence: intron variant.
Genome position (GRCh38, 1-based): chr11:108,251,077, G>C. VCF-style: chr11-108251077-G-C. GRCh37 (hg19) VCF-style: chr11-108121804-G-C.
Other names: c.1607+5G>C (NM_001351834.2).
Identifiers: ClinVar variation 5032051 (VCV005032051.1).

ClinVar aggregate classification (germline): Uncertain significance (1 of 4 stars; one submission).

Conditions:
Hereditary cancer-predisposing syndrome. Also called: Neoplastic Syndromes, Hereditary; Tumor predisposition; Hereditary neoplastic syndrome; Hereditary Cancer Syndrome. Identifiers: Orphanet 140162, MedGen C0027672, MeSH D009386, MONDO:0015356.

Submission:

Ambry Genetics
Classification: Uncertain significance for Hereditary cancer-predisposing syndrome. Last evaluated: 2026-08-14. Review status: criteria provided, single submitter. Criteria: Ambry Variant Classification Scheme 2023. Collection method: clinical testing. Allele origin: germline.
Comment: The c.1607+5G>C intronic variant results from a G to C substitution 5 nucleotides after coding exon 9 in the ATM gene. This nucleotide position is highly conserved in available vertebrate species. In silico splice site analysis predicts that this alteration will weaken the native splice donor site; however, direct evidence is insufficient at this time (Ambry internal data). Based on the available evidence, the clinical significance of this variant remains unclear.